The following is an entry in ClinVar:

NM_022124.6(CDH23):c.2954-18G>T

Gene: CDH23 (cadherin related 23; plus strand). Cytogenetic location: 10q22.1.
Variant type: single nucleotide variant.
Coding change: c.2954-18G>T on transcript NM_022124.6 (MANE Select); 18 bases into the intron before coding-DNA position 2954, G replaced by T.
Molecular consequence: intron variant.
Genome position (GRCh38, 1-based): chr10:71,706,879, G>T. VCF-style: chr10-71706879-G-T. GRCh37 (hg19) VCF-style: chr10-73466636-G-T.
Other names: c.2954-18G>T (NM_001171930.2, NM_001171931.2, NM_022124.5).
Identifiers: ClinVar variation 2167355 (VCV002167355.6), dbSNP rs373489949, ClinGen allele CA929788409.
Genomic context (GRCh38, chr10:71,706,879, plus strand): 5'-TGCTGGAGACGCTGCTCTGGAGCTGGGTCTTCTGCGGCAGAAGCCAGGCCTAGCCCCGGC[G>T]CCCGTTCTGCCCCGCAGTGCTGGATGTGAACGACGAGACGCCCACCTTCTTCCCGGCCGT-3'

ClinVar aggregate classification (germline): Likely benign. Review status: criteria provided, multiple submitters, no conflicts (2 of 4 stars). 3 submissions from 3 submitters: Likely benign (3). Last evaluated 2025-06-13.

Conditions:
CDH23-related disorder. Also called: CDH23-related disorders; CDH23-related condition.

gnomAD v4.1: 7 of 1,579,918 alleles (0.00044%); highest among the groups gnomAD compares: Non-Finnish European, 0.0006%; no homozygotes.

Submissions (3):

Labcorp Genetics (formerly Invitae), Labcorp
Classification: Likely benign. Last evaluated: 2025-06-13. Review status: criteria provided, single submitter. Criteria: Invitae Variant Classification Sherloc (09022015). Collection method: clinical testing. Allele origin: germline.

PreventionGenetics, part of Exact Sciences
Classification: Likely benign for CDH23-related condition. Last evaluated: 2025-04-14. Review status: criteria provided, single submitter. Criteria: ACMG Guidelines, 2015. Collection method: clinical testing. Allele origin: germline.
Comment: This variant is classified as likely benign based on ACMG/AMP sequence variant interpretation guidelines (Richards et al. 2015 PMID: 25741868, with internal and published modifications).

Blueprint Genetics
Classification: Likely benign. Last evaluated: 2020-11-11. Review status: criteria provided, single submitter. Criteria: ACMG Guidelines, 2015. Collection method: clinical testing. Allele origin: germline.